The following is an entry in ClinVar:

ClinVar aggregate classification (germline): Conflicting classifications of pathogenicity. Review status: criteria provided, conflicting classifications (1 of 4 stars). 2 submissions from 2 submitters: Uncertain significance (1); Likely benign (1). Last evaluated 2025-10-18.

Allele frequency attached by ClinVar (database versions not stated): gnomAD 0.00001; ExAC 0.00002; gnomAD exomes 0.00002 and 0.00006; TOPMed 0.00002.
gnomAD v4.1: 31 of 1,613,950 alleles (0.0019%); highest among the groups gnomAD compares: Middle Eastern, 0.12%; no homozygotes.

Submissions (2):

Ambry Genetics
Classification: Likely benign. Last evaluated: 2025-10-18. Review status: criteria provided, single submitter. Criteria: Ambry Variant Classification Scheme 2023. Collection method: clinical testing. Allele origin: germline.

Labcorp Genetics (formerly Invitae), Labcorp
Classification: Uncertain significance. Last evaluated: 2025-06-22. Review status: criteria provided, single submitter. Criteria: Invitae Variant Classification Sherloc (09022015). Collection method: clinical testing. Allele origin: germline.
Comment: This sequence change replaces lysine, which is basic and polar, with arginine, which is basic and polar, at codon 205 of the ADGRA3 protein (p.Lys205Arg). This variant is present in population databases (rs761890075, gnomAD 0.03%). This variant has not been reported in the literature in individuals affected with ADGRA3-related conditions. ClinVar contains an entry for this variant (Variation ID: 1394010). An algorithm developed to predict the effect of missense changes on protein structure and function outputs the following: PolyPhen-2: "Benign". The arginine amino acid residue is found in multiple mammalian species, which suggests that this missense change does not adversely affect protein function. In summary, the available evidence is currently insufficient to determine the role of this variant in disease. Therefore, it has been classified as a Variant of Uncertain Significance.

NM_145290.4(ADGRA3):c.614A>G (p.Lys205Arg)

Gene: ADGRA3 (adhesion G protein-coupled receptor A3; minus strand). Cytogenetic location: 4p15.2.
Variant type: single nucleotide variant.
Coding change: c.614A>G on transcript NM_145290.4 (MANE Select); coding-DNA position 614, A replaced by G.
Protein change: p.Lys205Arg; replaces lysine 205 with arginine.
Molecular consequence: missense variant.
Genome position (GRCh38, 1-based): chr4:22,445,065, T>C on the plus strand (A>G on the coding strand, the complement: ADGRA3 is on the minus strand). VCF-style: chr4-22445065-T-C. GRCh37 (hg19) VCF-style: chr4-22446688-T-C.
Other names: c.614A>G (NM_145290.2); short protein forms K205R.
Identifiers: ClinVar variation 1394010 (VCV001394010.7), dbSNP rs761890075, ClinGen allele CA2874192.
Genomic context (GRCh38, chr4:22,445,065, plus strand): 5'-ACTGGTTGGGCCTGCAGTGACTTAGGATAAACACACCTGGTATCCCGTACCGTGATGTTC[T>C]TCTCCTTTACCCAGCGATGCATCCACAGTATGTTACAGTCACACAAAAGATACTCAGTCT-3'
Protein context (NP_660333.2, residues 195-215): ILWMHRWVKE[Lys205Arg]NITVRDTRCV